The following is an entry in ClinVar:

NM_000136.3(FANCC):c.595dup (p.Leu199fs)

Genes: AOPEP (aminopeptidase O (putative); plus strand), FANCC (FA complementation group C; minus strand). Cytogenetic location: 9q22.32.
Variant type: Duplication.
Coding change: c.595dup on transcript NM_000136.3 (MANE Select); coding-DNA position 595, one base duplicated (C; older notation c.595dupC).
Protein change: p.Leu199fs; shifts the reading frame from leucine 199.
Molecular consequence: frameshift variant.
Genome position (GRCh38, 1-based): chr9:95,150,014, G duplicated on the plus strand (C on the coding strand, the reverse complement: FANCC is on the minus strand); the first of 5 consecutive G bases (chr9:95,150,014-95,150,018); duplicating any one gives the same sequence. VCF-style (leftmost placement, unchanged base first): chr9-95150013-A-AG. GRCh37 (hg19) VCF-style: chr9-97912295-A-AG.
Other names: c.595dup, p.Leu199fs (NM_001243743.2, NM_001243744.2); c.595dup (NM_000136.2); c.595dupC (NM_000136.2); short protein forms L199fs.
Identifiers: ClinVar variation 221622 (VCV000221622.5), dbSNP rs1057519366, ClinGen allele CA16044126.

ClinVar aggregate classification (germline): Pathogenic/Likely pathogenic. Review status: criteria provided, multiple submitters, no conflicts (2 of 4 stars). 3 submissions from 3 submitters: Pathogenic (1); Likely pathogenic (2). Last evaluated 2022-12-16.

Conditions:
Carcinoma of colon (CRC). Also called: Colon carcinoma; Colonic carcinoma. Identifiers: MedGen C0699790, MONDO:0002032.
Hereditary cancer-predisposing syndrome. Also called: Hereditary neoplastic syndrome; Tumor predisposition; Neoplastic Syndromes, Hereditary; Hereditary Cancer Syndrome. Identifiers: Orphanet 140162, MedGen C0027672, MeSH D009386, MONDO:0015356.

Submissions (3):

Ambry Genetics
Classification: Pathogenic for Hereditary cancer-predisposing syndrome. Last evaluated: 2022-12-16. Review status: criteria provided, single submitter. Criteria: Ambry Variant Classification Scheme 2023. Collection method: clinical testing. Allele origin: germline.
Comment: The c.595dupC pathogenic mutation, located in coding exon 6 of the FANCC gene, results from a duplication of C at nucleotide position 595, causing a translational frameshift with a predicted alternate stop codon (p.L199Pfs*12). This alteration has been identified by whole exome sequencing in a family affected with colorectal cancer (Esteban-Jurado C et al. Eur J Hum Genet, 2016 Oct;24:1501-5). This variant is considered to be rare based on population cohorts in the Genome Aggregation Database (gnomAD). This alteration is expected to result in loss of function by premature protein truncation or nonsense-mediated mRNA decay. As such, this alteration is interpreted as a disease-causing mutation.

GeneDx
Classification: Likely pathogenic. Last evaluated: 2022-11-10. Review status: criteria provided, single submitter. Criteria: GeneDx Variant Classification Process June 2021. Collection method: clinical testing. Allele origin: germline. Affected: yes.
Comment: Frameshift variant predicted to result in protein truncation or nonsense mediated decay in a gene for which loss of function is a known mechanism of disease; Not observed at significant frequency in large population cohorts (gnomAD); Observed in a father and daughter with colorectal cancer (Esteban-Jurado et al., 2016); This variant is associated with the following publications: (PMID: 27165003)

Genetic Predisposition to Colorectal Cancer Group, Institut d’Investigacions Biomediques August Pi i Sunyer
Classification: Likely pathogenic for Colorectal cancer. Last evaluated: 2015-11-01. Review status: criteria provided, single submitter. Criteria: Submitter's publication. Collection method: clinical testing. Allele origin: germline. Affected: yes. Observed: 2 variant alleles. Study: FAMCOLON.
Comment: Variant detected by whole exome sequencing in a family presenting aggregation for colorectal cancer

Segregation in the family affected members; frequency in the control datasets <0.01% (ExAC, EVS, CIBERER Spanish Variant Server)

Literature cited by the submitters: PubMed 27165003 (cited by Ambry Genetics and Genetic Predisposition to Colorectal Cancer Group, Institut d’Investigacions Biomediques August Pi i Sunyer).